The following is an entry in ClinVar:

NM_153026.3(PRICKLE1):c.1660A>C (p.Asn554His)

Gene: PRICKLE1 (prickle planar cell polarity protein 1; minus strand). Cytogenetic location: 12q12.
Variant type: single nucleotide variant.
Coding change: c.1660A>C on transcript NM_153026.3 (MANE Select); coding-DNA position 1660, A replaced by C.
Protein change: p.Asn554His; replaces asparagine 554 with histidine.
Molecular consequence: missense variant.
Genome position (GRCh38, 1-based): chr12:42,460,645, T>G on the plus strand (A>C on the coding strand, the complement: PRICKLE1 is on the minus strand). VCF-style: chr12-42460645-T-G. GRCh37 (hg19) VCF-style: chr12-42854447-T-G.
Other names: c.1660A>C, p.Asn554His (NM_001144881.2, NM_001144882.2, NM_001144883.2); short protein forms N554H.
Identifiers: ClinVar variation 1932700 (VCV001932700.6), dbSNP rs1251183992, ClinGen allele CA384441188.

ClinVar aggregate classification (germline): Uncertain significance. Review status: criteria provided, multiple submitters, no conflicts (2 of 4 stars). 2 submissions from 2 submitters: Uncertain significance (2). Last evaluated 2022-05-27.

Conditions:
Epilepsy, progressive myoclonic, 1B. Also called: PME. Identifiers: Orphanet 308, MedGen C2676254, MONDO:0012904, OMIM 612437.

Allele frequency attached by ClinVar (database versions not stated): TOPMed below 0.00001; gnomAD 0.00001.
gnomAD v4.1: 1 of 1,610,566 alleles (0.000062%); highest among the groups gnomAD compares: Non-Finnish European, 0.000085%; no homozygotes.

Submissions (2):

Ambry Genetics
Classification: Uncertain significance. Last evaluated: 2022-05-27. Review status: criteria provided, single submitter. Criteria: Ambry Variant Classification Scheme 2023. Collection method: clinical testing. Allele origin: germline.

Labcorp Genetics (formerly Invitae), Labcorp
Classification: Uncertain significance for Epilepsy, progressive myoclonic, 1B. Last evaluated: 2022-05-25. Review status: criteria provided, single submitter. Criteria: Invitae Variant Classification Sherloc (09022015). Collection method: clinical testing. Allele origin: germline.
Comment: In summary, the available evidence is currently insufficient to determine the role of this variant in disease. Therefore, it has been classified as a Variant of Uncertain Significance. Algorithms developed to predict the effect of missense changes on protein structure and function (SIFT, PolyPhen-2, Align-GVGD) all suggest that this variant is likely to be tolerated. This variant has not been reported in the literature in individuals affected with PRICKLE1-related conditions. This variant is not present in population databases (gnomAD no frequency). This sequence change replaces asparagine, which is neutral and polar, with histidine, which is basic and polar, at codon 554 of the PRICKLE1 protein (p.Asn554His).